The following is an entry in ClinVar:

ClinVar aggregate classification (germline): Uncertain significance (1 of 4 stars; one submission).

Submission:

Labcorp Genetics (formerly Invitae), Labcorp
Classification: Uncertain significance. Last evaluated: 2022-07-12. Review status: criteria provided, single submitter. Criteria: Invitae Variant Classification Sherloc (09022015). Collection method: clinical testing. Allele origin: germline.
Comment: In summary, the available evidence is currently insufficient to determine the role of this variant in disease. Therefore, it has been classified as a Variant of Uncertain Significance. Advanced modeling of protein sequence and biophysical properties (such as structural, functional, and spatial information, amino acid conservation, physicochemical variation, residue mobility, and thermodynamic stability) performed at Invitae indicates that this missense variant is not expected to disrupt SLC12A6 protein function. ClinVar contains an entry for this variant (Variation ID: 1353127). This variant has not been reported in the literature in individuals affected with SLC12A6-related conditions. This variant is not present in population databases (gnomAD no frequency). This sequence change replaces serine, which is neutral and polar, with threonine, which is neutral and polar, at codon 440 of the SLC12A6 protein (p.Ser440Thr).

NM_001365088.1(SLC12A6):c.1319G>C (p.Ser440Thr)

Gene: SLC12A6 (solute carrier family 12 member 6; minus strand). Cytogenetic location: 15q14.
Variant type: single nucleotide variant.
Coding change: c.1319G>C on transcript NM_001365088.1 (MANE Select); coding-DNA position 1319, G replaced by C.
Protein change: p.Ser440Thr; replaces serine 440 with threonine.
Molecular consequence: missense variant.
Genome position (GRCh38, 1-based): chr15:34,252,184, C>G on the plus strand (G>C on the coding strand, the complement: SLC12A6 is on the minus strand). VCF-style: chr15-34252184-C-G. GRCh37 (hg19) VCF-style: chr15-34544385-C-G.
Other names: c.1142G>C, p.Ser381Thr (NM_001042494.2, NM_001042495.2); c.1292G>C, p.Ser431Thr (NM_001042496.2); c.1274G>C, p.Ser425Thr (NM_001042497.2); c.1166G>C, p.Ser389Thr (NM_005135.2); c.1319G>C, p.Ser440Thr (NM_133647.2); short protein forms S381T, S389T, S425T, S431T, S440T.
Identifiers: ClinVar variation 1353127 (VCV001353127.8), dbSNP rs1448474208, ClinGen allele CA391607093.